The following is an entry in ClinVar:

ClinVar aggregate classification (germline): Uncertain significance. Review status: criteria provided, multiple submitters, no conflicts (2 of 4 stars). 2 submissions from 2 submitters: Uncertain significance (2). Last evaluated 2025-05-18.

Conditions:
Inborn genetic diseases. Identifiers: MedGen C0950123, MeSH D030342.
Developmental and epileptic encephalopathy, 42 (DEE42A). Also called: DEVELOPMENTAL AND EPILEPTIC ENCEPHALOPATHY 42A; EPILEPTIC ENCEPHALOPATHY, EARLY INFANTILE, 42A; Epileptic encephalopathy, early infantile, 42. Identifiers: MedGen C4310716, MONDO:0014917, OMIM 617106.
Episodic ataxia type 2 (EA2). Also called: ACETAZOLAMIDE-RESPONSIVE HEREDITARY PAROXYSMAL CEREBELLAR ATAXIA; ATAXIA, EPISODIC, WITH NYSTAGMUS; ATAXIA, FAMILIAL PAROXYSMAL; CEREBELLAR ATAXIA, PAROXYSMAL, ACETAZOLAMIDE-RESPONSIVE; CEREBELLOPATHY, HEREDITARY PAROXYSMAL; EPISODIC ATAXIA, NYSTAGMUS-ASSOCIATED. Identifiers: Orphanet 97, MedGen C1720416, MONDO:0007163, OMIM 108500.

gnomAD v4.1: 1 of 1,598,266 alleles (0.000063%); highest among the groups gnomAD compares: Admixed American, 0.0017%; no homozygotes.

Submissions (2):

Ambry Genetics
Classification: Uncertain significance for Inborn genetic diseases. Last evaluated: 2025-05-18. Review status: criteria provided, single submitter. Criteria: Ambry Variant Classification Scheme 2023. Collection method: clinical testing. Allele origin: germline.

Labcorp Genetics (formerly Invitae), Labcorp
Classification: Uncertain significance for Developmental and epileptic encephalopathy, 42; Episodic ataxia type 2. Last evaluated: 2024-10-14. Review status: criteria provided, single submitter. Criteria: Invitae Variant Classification Sherloc (09022015). Collection method: clinical testing. Allele origin: germline.
Comment: This sequence change replaces serine, which is neutral and polar, with glycine, which is neutral and non-polar, at codon 1854 of the CACNA1A protein (p.Ser1854Gly). This variant is not present in population databases (gnomAD no frequency). This variant has not been reported in the literature in individuals affected with CACNA1A-related conditions. Invitae Evidence Modeling of protein sequence and biophysical properties (such as structural, functional, and spatial information, amino acid conservation, physicochemical variation, residue mobility, and thermodynamic stability) indicates that this missense variant is not expected to disrupt CACNA1A protein function with a negative predictive value of 95%. In summary, the available evidence is currently insufficient to determine the role of this variant in disease. Therefore, it has been classified as a Variant of Uncertain Significance.

NM_001127221.2(CACNA1A):c.5560A>G (p.Ser1854Gly)

Gene: CACNA1A (calcium voltage-gated channel subunit alpha1 A; minus strand). Cytogenetic location: 19p13.13.
Variant type: single nucleotide variant.
Coding change: c.5560A>G on transcript NM_001127221.2 (MANE Plus Clinical); coding-DNA position 5560, A replaced by G.
Protein change: p.Ser1854Gly; replaces serine 1854 with glycine.
Molecular consequence: missense variant. On other transcripts: intron variant (4).
Genome position (GRCh38, 1-based): chr19:13,228,767, T>C on the plus strand (A>G on the coding strand, the complement: CACNA1A is on the minus strand). VCF-style: chr19-13228767-T-C. GRCh37 (hg19) VCF-style: chr19-13339581-T-C.
Other names: c.5529-1240A>G (NM_001127222.2); c.5538-1240A>G (NM_001174080.2); c.5547-1240A>G (NM_000068.4, NM_023035.3); short protein forms S1854G.
Identifiers: ClinVar variation 2929008 (VCV002929008.4), dbSNP rs2512610815, ClinGen allele CA404331767.